The following is an entry in ClinVar:

NM_020693.4(DSCAML1):c.5425G>C (p.Glu1809Gln)

Gene: DSCAML1 (DS cell adhesion molecule like 1; minus strand). Cytogenetic location: 11q23.3.
Variant type: single nucleotide variant.
Coding change: c.5425G>C on transcript NM_020693.4 (MANE Select); coding-DNA position 5425, G replaced by C.
Protein change: p.Glu1809Gln; replaces glutamic acid 1809 with glutamine.
Molecular consequence: missense variant.
Genome position (GRCh38, 1-based): chr11:117,430,983, C>G on the plus strand (G>C on the coding strand, the complement: DSCAML1 is on the minus strand). VCF-style: chr11-117430983-C-G. GRCh37 (hg19) VCF-style: chr11-117301699-C-G.
Other names: short protein forms E1809Q.
Identifiers: ClinVar variation 2113433 (VCV002113433.4), dbSNP rs1394687991, ClinGen allele CA382753435.

ClinVar aggregate classification (germline): Uncertain significance (1 of 4 stars; one submission).

gnomAD v4.1: 2 of 1,614,058 alleles (0.00012%); highest among the groups gnomAD compares: Non-Finnish European, 0.000085%; no homozygotes.

Submission:

Labcorp Genetics (formerly Invitae), Labcorp
Classification: Uncertain significance. Last evaluated: 2022-03-18. Review status: criteria provided, single submitter. Criteria: Invitae Variant Classification Sherloc (09022015). Collection method: clinical testing. Allele origin: germline.
Comment: In summary, the available evidence is currently insufficient to determine the role of this variant in disease. Therefore, it has been classified as a Variant of Uncertain Significance. This sequence change replaces glutamic acid, which is acidic and polar, with glutamine, which is neutral and polar, at codon 1869 of the DSCAML1 protein (p.Glu1869Gln). This variant is present in population databases (no rsID available, gnomAD 0.003%). This variant has not been reported in the literature in individuals affected with DSCAML1-related conditions. Algorithms developed to predict the effect of missense changes on protein structure and function (SIFT, PolyPhen-2, Align-GVGD) all suggest that this variant is likely to be disruptive. Algorithms developed to predict the effect of sequence changes on RNA splicing suggest that this variant may create or strengthen a splice site.